The following is an entry in ClinVar:

ClinVar aggregate classification (germline): Uncertain significance (1 of 4 stars; one submission).

Conditions:
Hereditary cancer-predisposing syndrome. Also called: Neoplastic Syndromes, Hereditary; Tumor predisposition; Hereditary Cancer Syndrome; Hereditary neoplastic syndrome. Identifiers: Orphanet 140162, MedGen C0027672, MeSH D009386, MONDO:0015356.

Submission:

Ambry Genetics
Classification: Uncertain significance for Hereditary cancer-predisposing syndrome. Last evaluated: 2022-10-11. Review status: criteria provided, single submitter. Criteria: Ambry Variant Classification Scheme 2023. Collection method: clinical testing. Allele origin: germline.
Comment: The p.P62T variant (also known as c.184C>A), located in coding exon 1 of the PHOX2B gene, results from a C to A substitution at nucleotide position 184. The proline at codon 62 is replaced by threonine, an amino acid with highly similar properties. This amino acid position is conserved. In addition, the in silico prediction for this alteration is inconclusive. Since supporting evidence is limited at this time, the clinical significance of this alteration remains unclear.

NM_003924.4(PHOX2B):c.184C>A (p.Pro62Thr)

Genes: PHOX2B (paired like homeobox 2B; minus strand), PHOX2B-AS1 (PHOX2B antisense RNA 1; plus strand). Cytogenetic location: 4p13.
Variant type: single nucleotide variant.
Coding change: c.184C>A on transcript NM_003924.4 (MANE Select); coding-DNA position 184, C replaced by A.
Protein change: p.Pro62Thr; replaces proline 62 with threonine.
Molecular consequence: missense variant.
Genome position (GRCh38, 1-based): chr4:41,748,427, G>T on the plus strand (C>A on the coding strand, the complement: PHOX2B is on the minus strand). VCF-style: chr4-41748427-G-T. GRCh37 (hg19) VCF-style: chr4-41750444-G-T.
Other names: short protein forms P62T.
Identifiers: ClinVar variation 1781297 (VCV001781297.2), dbSNP rs1458869707, ClinGen allele CA356740904.